The following is an entry in ClinVar:

NM_002880.4(RAF1):c.782C>G (p.Pro261Arg)

Gene: RAF1 (Raf-1 proto-oncogene, serine/threonine kinase; minus strand). Cytogenetic location: 3p25.2.
Variant type: single nucleotide variant.
Coding change: c.782C>G on transcript NM_002880.4 (MANE Select); coding-DNA position 782, C replaced by G.
Protein change: p.Pro261Arg; replaces proline 261 with arginine.
Molecular consequence: missense variant. On other transcripts: non-coding transcript variant (3).
Genome position (GRCh38, 1-based): chr3:12,604,188, G>C on the plus strand (C>G on the coding strand, the complement: RAF1 is on the minus strand). VCF-style: chr3-12604188-G-C. GRCh37 (hg19) VCF-style: chr3-12645687-G-C.
Other names: p.P261R:CCT>CGT; c.782C>G, p.Pro261Arg (NM_001354689.3, NM_001354690.3); c.539C>G, p.Pro180Arg (NM_001354691.3, NM_001354692.3, NM_001354694.3); c.683C>G, p.Pro228Arg (NM_001354693.3); c.440C>G, p.Pro147Arg (NM_001354695.3); short protein forms P261R, P147R, P180R, P228R.
Identifiers: ClinVar variation 40606 (VCV000040606.25), dbSNP rs397516828, ClinGen allele CA134753.
Genomic context (GRCh38, chr3:12,604,188, plus strand): 5'-CCTATTACCTCAATCATCCTGCTGTCCACAGGCAGGGTGGTGCTGACCATGTGGACATTA[G>C]GTGTGGATGTCGACCTCTGCCTCTGGGAGAGGGAACCTTCAGATGAGGGACTGGAGGTGT-3'
Protein context (NP_002871.1, residues 251-271): LSQRQRSTST[Pro261Arg]NVHMVSTTLP

ClinVar aggregate classification (germline): Pathogenic/Likely pathogenic. Review status: criteria provided, multiple submitters, no conflicts (2 of 4 stars). 9 submissions from 9 submitters: Pathogenic (6); Likely pathogenic (2). 1 of the submissions does not count toward it. Last evaluated 2022-11-09.

Conditions:
RAF1-related disorder. Also called: RAF1-related condition; RAF1-related disorders.
Noonan syndrome and Noonan-related syndrome. Identifiers: Orphanet 98733, MedGen C5681679, MONDO:0020297.
RASopathy. Also called: rasopathies; Noonan spectrum disorder. Identifiers: Orphanet 536391, MedGen C5555857, MONDO:0021060.
Noonan syndrome (NS). Also called: Noonan's syndrome. Identifiers: Orphanet 648, MedGen C0028326, MeSH D009634, MONDO:0018997. Disease mechanism: gain of function.
Noonan syndrome 5 (NS5). Also called: RAF1-Related Noonan Syndrome. Identifiers: Orphanet 648, MedGen C1969057, MONDO:0012690, OMIM 611553. Disease mechanism: gain of function.

Submissions (9):

Labcorp Genetics (formerly Invitae), Labcorp
Classification: Pathogenic for RASopathy. Last evaluated: 2022-11-09. Review status: criteria provided, single submitter. Criteria: Invitae Variant Classification Sherloc (09022015). Collection method: clinical testing. Allele origin: germline.
Comment: This sequence change replaces proline, which is neutral and non-polar, with arginine, which is basic and polar, at codon 261 of the RAF1 protein (p.Pro261Arg). This variant is not present in population databases (gnomAD no frequency). For these reasons, this variant has been classified as Pathogenic. This variant disrupts the p.Pro261 amino acid residue in RAF1. Other variant(s) that disrupt this residue have been determined to be pathogenic (PMID: 17603482, 17603483, 20683980, 21784453, 22465605). This suggests that this residue is clinically significant, and that variants that disrupt this residue are likely to be disease-causing. Advanced modeling of protein sequence and biophysical properties (such as structural, functional, and spatial information, amino acid conservation, physicochemical variation, residue mobility, and thermodynamic stability) performed at Invitae indicates that this missense variant is expected to disrupt RAF1 protein function. ClinVar contains an entry for this variant (Variation ID: 40606). This missense change has been observed in individual(s) with Noonan syndrome (NS) (PMID: 25862627, 26266034, 28777121). In at least one individual the variant was observed to be de novo.

Dasa
Classification: Pathogenic for Noonan syndrome 5. Last evaluated: 2022-03-25. Review status: criteria provided, single submitter. Criteria: ACMG Guidelines, 2015. Collection method: clinical testing. Allele origin: germline. Affected: yes. Observed: 1 variant allele.
Comment: The c.782C>G;p.(Pro261Arg) missense change has been observed in affected individual(s) and ClinVar contains an entry for this variant (ClinVar ID: 40606; PMID: 28777121; 26266034; 25862627; 22824796; 22465605) -PS4. The variant is located in a mutational hot spot and/or critical and well-established functional domain (PMID: 22824796; 22465605) - PM1. This variant is not present in population databases (rs397516828- gnomAD; ABraOM no frequency.) - PM2. Pathogenic missense variant in this residue have been reported (ClinVar ID: 120246) - PM5. The variant was assumed de novo, but without confirmation of paternity and maternity (PMID: 26266034) - PM6. Missense variant in RAF1 that has a low rate of benign missense variation and in which missense variants are a common mechanism of disease - PP2. Multiple lines of computational evidence support a deleterious effect on the gene or gene product - PP3. In summary, the currently available evidence indicates that the variant is pathogenic

GeneDx
Classification: Pathogenic. Last evaluated: 2022-02-21. Review status: criteria provided, single submitter. Criteria: GeneDx Variant Classification Process June 2021. Collection method: clinical testing. Allele origin: germline. Affected: yes.
Comment: Not observed in large population cohorts (gnomAD); Missense variants in this gene are often considered pathogenic (HGMD); In silico analysis supports that this missense variant has a deleterious effect on protein structure/function; Observed in an individual with Noonan syndrome in the published literature (van Trier et al., 2015); This variant is associated with the following publications: (PMID: 30692697, 24803665, 28777121, 25862627, 26266034, 30384889, 32668031, 32981126, 24957944, 9689060, 15520807, 29493581, 19020799)

Blueprint Genetics
Classification: Pathogenic for RAF1-related disorders. Last evaluated: 2021-10-15. Review status: criteria provided, single submitter. Criteria: ACMG Guidelines, 2015. Collection method: clinical testing. Allele origin: germline. Affected: yes. Observed: 1 variant allele.

Women's Health and Genetics/Laboratory Corporation of America, LabCorp
Classification: Likely pathogenic for RASopathy. Last evaluated: 2017-07-10. Review status: criteria provided, single submitter. Criteria: LabCorp Variant Classification Summary - May 2015. Collection method: clinical testing. Allele origin: germline.
Comment: Variant summary: The RAF1 c.782C>G (p.Pro261Arg) variant involves the alteration of a highly conserved nucleotide. 4/4 in silico tools predict a damaging outcome for this variant (SNPsandGO not captured due to low reliability index). This variant is absent in 121388 control chromosomes and has been reported in the literature in at least 2 Noonan Syndrome patients, one in whom the variant was absent in both parents (assumed de novo [Ratola_2015, VanTrier_2015]). Other variants affecting the same codon (Pro261Ala, Pro261Leu) have been classified as pathogenic/likely pathogenic by our lab, indicating the variant to be located in a mutational hotspot. In addition, multiple clinical diagnostic laboratories/reputable databases classified this variant as pathogenic. Taken together, this variant is classified as likely pathogenic.

Genome Diagnostics Laboratory, The Hospital for Sick Children
Classification: Likely pathogenic for Noonan syndrome and Noonan-related syndrome. Last evaluated: 2017-04-10. Review status: criteria provided, single submitter. Criteria: ACMG Guidelines, 2015. Collection method: clinical testing. Allele origin: germline. Affected: yes.

Laboratory for Molecular Medicine, Mass General Brigham Personalized Medicine
Classification: Pathogenic for Noonan syndrome. Last evaluated: 2016-02-17. Review status: criteria provided, single submitter. Criteria: LMM Criteria. Collection method: clinical testing. Allele origin: germline. Observed: 1 variant allele.
Comment: proposed classification - variant undergoing re-assessment, contact laboratory

Eurofins Ntd Llc (ga)
Classification: Pathogenic. Last evaluated: 2015-07-14. Review status: criteria provided, single submitter. Criteria: EGL Classification Definitions 2015. Collection method: clinical testing. Allele origin: germline. Observed: 1 variant allele, 1 heterozygote.

Baylor Genetics
Classification: Pathogenic for Noonan syndrome 5. Last evaluated: 2018-11-18. Review status: no assertion criteria provided. Collection method: clinical testing. Allele origin: germline. Affected: yes. Not counted in ClinVar's aggregate classification.

Literature cited by the submitters: PubMed 17603482 (cited by Labcorp Genetics (formerly Invitae), Labcorp and Eurofins Ntd Llc (ga)); PubMed 17603483 (cited by Labcorp Genetics (formerly Invitae), Labcorp and Eurofins Ntd Llc (ga)); PubMed 20683980 (cited by Labcorp Genetics (formerly Invitae), Labcorp); PubMed 21784453 (cited by Labcorp Genetics (formerly Invitae), Labcorp); PubMed 22465605 (cited by Labcorp Genetics (formerly Invitae), Labcorp and Dasa); PubMed 25862627 (cited by 5 submitters); PubMed 26266034 (cited by 4 submitters); PubMed 28777121 (cited by Labcorp Genetics (formerly Invitae), Labcorp and Dasa); PubMed 22824796 (cited by Dasa and Women's Health and Genetics/Laboratory Corporation of America, LabCorp).